The following is an entry in ClinVar:

NM_173660.5(DOK7):c.1243_1340del (p.Pro415fs)

Gene: DOK7 (docking protein 7; plus strand). Cytogenetic location: 4p16.3.
Variant type: Deletion.
Coding change: c.1243_1340del on transcript NM_173660.5 (MANE Select); coding-DNA positions 1243 to 1340, 98 bases deleted.
Protein change: p.Pro415fs; shifts the reading frame from proline 415.
Molecular consequence: frameshift variant. On other transcripts: 3 prime UTR variant (1).
Genome position (GRCh38, 1-based): chr4:3,493,229-3,493,326, 98 bases deleted. GRCh37 (hg19): chr4:3,494,956-3,495,053.
Other names: c.*464_*561del (NM_001164673.2); c.313_410del, p.Pro105fs (NM_001256896.2); c.1243_1340del, p.Pro415fs (NM_001301071.2); c.811_908del, p.Pro271fs (NM_001363811.2); short protein forms P105fs, P271fs, P415fs.
Identifiers: ClinVar variation 2674891 (VCV002674891.3), dbSNP rs2475114996, ClinGen allele CA2695199358.

ClinVar aggregate classification (germline): Pathogenic/Likely pathogenic. Review status: criteria provided, multiple submitters, no conflicts (2 of 4 stars). 2 submissions from 2 submitters: Pathogenic (1); Likely pathogenic (1). Last evaluated 2024-06-21.

Conditions:
Fetal akinesia deformation sequence 1 (FADS1). Also called: Pena-Shokeir syndrome type I; Fetal akinesia sequence. Identifiers: Orphanet 994, MedGen C1276035, MONDO:0100101, OMIM 208150, HP:0001989.
Congenital myasthenic syndrome 10. Also called: Myasthenia, limb-girdle, familial. Identifiers: Orphanet 590, MedGen C1850792, MONDO:0009690, OMIM 254300.
Fetal akinesia deformation sequence 3. Identifiers: MedGen C4760599, MONDO:0100103, OMIM 618389.

Submissions (2):

Labcorp Genetics (formerly Invitae), Labcorp
Classification: Pathogenic for Congenital myasthenic syndrome 10; Fetal akinesia deformation sequence 1. Last evaluated: 2024-06-21. Review status: criteria provided, single submitter. Criteria: Invitae Variant Classification Sherloc (09022015). Collection method: clinical testing. Allele origin: germline.
Comment: This sequence change creates a premature translational stop signal (p.Pro415Glyfs*71) in the DOK7 gene. While this is not anticipated to result in nonsense mediated decay, it is expected to disrupt the last 90 amino acid(s) of the DOK7 protein. This variant is not present in population databases (gnomAD no frequency). This variant has not been reported in the literature in individuals affected with DOK7-related conditions. This variant disrupts a region of the DOK7 protein in which other variant(s) (p.Pro486Argfs*15) have been determined to be pathogenic (PMID: 29118959). This suggests that this is a clinically significant region of the protein, and that variants that disrupt it are likely to be disease-causing. For these reasons, this variant has been classified as Pathogenic.

Baylor Genetics
Classification: Likely pathogenic for Fetal akinesia deformation sequence 3. Last evaluated: 2023-02-01. Review status: criteria provided, single submitter. Criteria: ACMG Guidelines, 2015. Collection method: clinical testing. Allele origin: unknown.

Literature cited by the submitters: PubMed 29118959 (cited by Labcorp Genetics (formerly Invitae), Labcorp).